The following is an entry in ClinVar:

NM_006904.7(PRKDC):c.6304A>G (p.Lys2102Glu)

Gene: PRKDC (protein kinase, DNA-activated, catalytic subunit; minus strand). Cytogenetic location: 8q11.21.
Variant type: single nucleotide variant.
Coding change: c.6304A>G on transcript NM_006904.7 (MANE Select); coding-DNA position 6304, A replaced by G.
Protein change: p.Lys2102Glu; replaces lysine 2102 with glutamic acid.
Molecular consequence: missense variant.
Genome position (GRCh38, 1-based): chr8:47,858,890, T>C on the plus strand (A>G on the coding strand, the complement: PRKDC is on the minus strand). VCF-style: chr8-47858890-T-C. GRCh37 (hg19) VCF-style: chr8-48771451-T-C.
Other names: c.6304A>G, p.Lys2102Glu (NM_001081640.2); short protein forms K2102E.
Identifiers: ClinVar variation 1752746 (VCV001752746.2), dbSNP rs2551870073, ClinGen allele CA371160902.

ClinVar aggregate classification (germline): Uncertain significance (1 of 4 stars; one submission).

Submission:

Ambry Genetics
Classification: Uncertain significance. Last evaluated: 2022-03-02. Review status: criteria provided, single submitter. Criteria: Ambry Variant Classification Scheme 2023. Collection method: clinical testing. Allele origin: germline.
Comment: The p.K2102E variant (also known as c.6304A>G), located in coding exon 47 of the PRKDC gene, results from an A to G substitution at nucleotide position 6304. The lysine at codon 2102 is replaced by glutamic acid, an amino acid with similar properties. This amino acid position is conserved. In addition, this alteration is predicted to be tolerated by in silico analysis. Since supporting evidence is limited at this time, the clinical significance of this alteration remains unclear.